The following is an entry in ClinVar:

NM_001457.4(FLNB):c.7273T>A (p.Ser2425Thr)

Genes: FLNB (filamin B; plus strand), FLNB-AS1 (FLNB antisense RNA 1; minus strand). Cytogenetic location: 3p14.3.
Variant type: single nucleotide variant.
Coding change: c.7273T>A on transcript NM_001457.4 (MANE Select); coding-DNA position 7273, T replaced by A.
Protein change: p.Ser2425Thr; replaces serine 2425 with threonine.
Molecular consequence: missense variant.
Genome position (GRCh38, 1-based): chr3:58,168,514, T>A. VCF-style: chr3-58168514-T-A. GRCh37 (hg19) VCF-style: chr3-58154241-T-A.
Other names: c.7366T>A, p.Ser2456Thr (NM_001164317.2); c.7240T>A, p.Ser2414Thr (NM_001164318.2); c.7201T>A, p.Ser2401Thr (NM_001164319.2); short protein forms S2456T, S2401T, S2425T, S2414T.
Identifiers: ClinVar variation 1361297 (VCV001361297.6), dbSNP rs779884697, ClinGen allele CA353334745.

ClinVar aggregate classification (germline): Uncertain significance (1 of 4 stars; one submission).

Submission:

Labcorp Genetics (formerly Invitae), Labcorp
Classification: Uncertain significance. Last evaluated: 2023-04-18. Review status: criteria provided, single submitter. Criteria: Invitae Variant Classification Sherloc (09022015). Collection method: clinical testing. Allele origin: germline.
Comment: In summary, the available evidence is currently insufficient to determine the role of this variant in disease. Therefore, it has been classified as a Variant of Uncertain Significance. Advanced modeling of protein sequence and biophysical properties (such as structural, functional, and spatial information, amino acid conservation, physicochemical variation, residue mobility, and thermodynamic stability) performed at Invitae indicates that this missense variant is not expected to disrupt FLNB protein function. ClinVar contains an entry for this variant (Variation ID: 1361297). This variant has not been reported in the literature in individuals affected with FLNB-related conditions. This variant is not present in population databases (gnomAD no frequency). This sequence change replaces serine, which is neutral and polar, with threonine, which is neutral and polar, at codon 2425 of the FLNB protein (p.Ser2425Thr).